The following is an entry in ClinVar:

NM_024675.4(PALB2):c.2142_2143insTAA (p.Asp715Ter)

Gene: PALB2 (partner and localizer of BRCA2; minus strand). Cytogenetic location: 16p12.2.
Variant type: Insertion.
Coding change: c.2142_2143insTAA on transcript NM_024675.4 (MANE Select); coding-DNA positions 2142 to 2143, TAA inserted.
Protein change: p.Asp715Ter; replaces aspartic acid 715 with a stop codon.
Molecular consequence: nonsense.
Genome position: GRCh38 VCF-style: chr16-23630011-C-CTTA. GRCh37 (hg19) VCF-style: chr16-23641332-C-CTTA.
Other names: short protein forms D715*.
Identifiers: ClinVar variation 230941 (VCV000230941.5), dbSNP rs876658855, ClinGen allele CA10579984.

ClinVar aggregate classification (germline): Pathogenic (1 of 4 stars; one submission).

Conditions:
Hereditary cancer-predisposing syndrome. Also called: Neoplastic Syndromes, Hereditary; Tumor predisposition; Hereditary Cancer Syndrome; Hereditary neoplastic syndrome. Identifiers: Orphanet 140162, MedGen C0027672, MeSH D009386, MONDO:0015356.

Submission:

Ambry Genetics
Classification: Pathogenic for Hereditary cancer-predisposing syndrome. Last evaluated: 2015-03-13. Review status: criteria provided, single submitter. Criteria: Ambry Variant Classification Scheme 2023. Collection method: clinical testing. Allele origin: germline.
Comment: The c.2142_2143insTAA pathogenic mutation (also known as p.D714_D715ins*), located in coding exon 5 of the PALB2 gene, results from an insertion between nucleotide positions 2142 and 2143 of a stop codon (TAA). Since premature stop codons are typically deleterious in nature, this alteration is interpreted as a disease-causing mutation (ACMG Recommendations for Standards for Interpretation and Reporting of Sequence Variations. Revision 2007. Genet Med. 2008;10:294).